The following is an entry in ClinVar:

NM_004336.5(BUB1):c.1486A>C (p.Asn496His)

Gene: BUB1 (BUB1 mitotic checkpoint serine/threonine kinase; minus strand). Cytogenetic location: 2q13.
Variant type: single nucleotide variant.
Coding change: c.1486A>C on transcript NM_004336.5 (MANE Select); coding-DNA position 1486, A replaced by C.
Protein change: p.Asn496His; replaces asparagine 496 with histidine.
Molecular consequence: missense variant.
Genome position (GRCh38, 1-based): chr2:110,658,440, T>G on the plus strand (A>C on the coding strand, the complement: BUB1 is on the minus strand). VCF-style: chr2-110658440-T-G. GRCh37 (hg19) VCF-style: chr2-111416017-T-G.
Other names: c.1426A>C, p.Asn476His (NM_001278616.2); c.1486A>C, p.Asn496His (NM_001278617.2); short protein forms N476H, N496H.
Identifiers: ClinVar variation 2562181 (VCV002562181.2), dbSNP rs2468009651, ClinGen allele CA348212304.

ClinVar aggregate classification (germline): Uncertain significance (1 of 4 stars; one submission).

Allele frequency attached by ClinVar (database versions not stated): gnomAD exomes below 0.00001.
gnomAD v4.1: 1 of 1,613,904 alleles (0.000062%); highest among the groups gnomAD compares: African/African-American, 0.0013%; no homozygotes.

Submission:

Ambry Genetics
Classification: Uncertain significance. Last evaluated: 2023-04-13. Review status: criteria provided, single submitter. Criteria: Ambry Variant Classification Scheme 2023. Collection method: clinical testing. Allele origin: germline.
Comment: The p.N496H variant (also known as c.1486A>C), located in coding exon 13 of the BUB1 gene, results from an A to C substitution at nucleotide position 1486. The asparagine at codon 496 is replaced by histidine, an amino acid with similar properties. This amino acid position is conserved. In addition, this alteration is predicted to be tolerated by in silico analysis. Since supporting evidence is limited at this time, the clinical significance of this alteration remains unclear.